The following is an entry in ClinVar:

NM_000548.5(TSC2):c.2960T>G (p.Val987Gly)

Gene: TSC2 (TSC complex subunit 2; plus strand). Cytogenetic location: 16p13.3.
Variant type: single nucleotide variant.
Coding change: c.2960T>G on transcript NM_000548.5 (MANE Select); coding-DNA position 2960, T replaced by G.
Protein change: p.Val987Gly; replaces valine 987 with glycine.
Molecular consequence: missense variant. On other transcripts: intron variant (9).
Genome position (GRCh38, 1-based): chr16:2,077,720, T>G. VCF-style: chr16-2077720-T-G. GRCh37 (hg19) VCF-style: chr16-2127721-T-G.
Other names: c.2960T>G, p.Val987Gly (NM_001114382.3); c.2837+1135T>G (NM_021055.3, NM_001370405.1, NM_001363528.2 and 2 more transcripts); c.2726+1135T>G (NM_001318827.2); c.2237+1135T>G (NM_001318831.2); c.2690+1135T>G (NM_001318829.2); c.2870+1135T>G (NM_001318832.2); short protein forms V987G.
Identifiers: ClinVar variation 574713 (VCV000574713.8), dbSNP rs1391148381, ClinGen allele CA394281583.
Genomic context (GRCh38, chr16:2,077,720, plus strand): 5'-AGGAGAGCTCTGCAGCCGAGGCCTTCCGGTGCCGCAGCATCAGTGTGTCTGAACATGTGG[T>G]CCGCAGGTAGCGGGACTGTCGGGTGGGGGGCACGGACCCTGGAGCTTGGCCCCGTGAGCA-3'
Protein context (NP_000539.2, residues 977-997): CRSISVSEHV[Val987Gly]RSRIQTSLTS

ClinVar aggregate classification (germline): Uncertain significance (1 of 4 stars; one submission).

Conditions:
Tuberous sclerosis 2 (TSC2). Identifiers: Orphanet 805, MedGen C1860707, MONDO:0013199, OMIM 613254.

Submission:

Labcorp Genetics (formerly Invitae), Labcorp
Classification: Uncertain significance for Tuberous sclerosis 2. Last evaluated: 2018-05-22. Review status: criteria provided, single submitter. Criteria: Invitae Variant Classification Sherloc (09022015). Collection method: clinical testing. Allele origin: germline.
Comment: This variant has not been reported in the literature in individuals with TSC2-related disease. This variant is not present in population databases (ExAC no frequency). This sequence change replaces valine with glycine at codon 987 of the TSC2 protein (p.Val987Gly). The valine residue is moderately conserved and there is a moderate physicochemical difference between valine and glycine. Algorithms developed to predict the effect of missense changes on protein structure and function are either unavailable or do not agree on the potential impact of this missense change (SIFT: "Deleterious"; PolyPhen-2: "Benign"; Align-GVGD: "Class C0"). In summary, the available evidence is currently insufficient to determine the role of this variant in disease. Therefore, it has been classified as a Variant of Uncertain Significance.